The following is an entry in ClinVar:

ClinVar aggregate classification (germline): Likely pathogenic. Review status: criteria provided, multiple submitters, no conflicts (2 of 4 stars). 3 submissions from 3 submitters: Likely pathogenic (3). Last evaluated 2025-08-29.

Conditions:
TTN-related disorder. Also called: TTN-related disorders; TTN-related condition; TTN-related disease.
Cystic fibrosis (CF). Also called: MUCOVISCIDOSIS. Identifiers: Orphanet 586, MedGen C0010674, MONDO:0009061, OMIM 219700. Disease mechanism: loss of function.
Dilated cardiomyopathy 1G (CMD1G). Identifiers: Orphanet 154, MedGen C1858763, MONDO:0011400, OMIM 604145.
Autosomal recessive limb-girdle muscular dystrophy type 2J (LGMDR10). Also called: Limb-girdle muscular dystrophy, type 2J; MUSCULAR DYSTROPHY, LIMB-GIRDLE, AUTOSOMAL RECESSIVE 10. Identifiers: Orphanet 140922, MedGen C1837342, MONDO:0012127, OMIM 608807.

Submissions (3):

North West Genomic Laboratory Hub, Manchester University NHS Foundation Trust
Classification: Likely pathogenic for Cystic fibrosis. Last evaluated: 2025-08-29. Review status: criteria provided, single submitter. Criteria: ACGS Best Practice Guidelines for Variant Classification in Rare Disease 2024. Collection method: clinical testing. Allele origin: germline. Affected: yes.
Comment: PVS1_Str PM2_Mod

Labcorp Genetics (formerly Invitae), Labcorp
Classification: Likely pathogenic for Dilated cardiomyopathy 1G; Autosomal recessive limb-girdle muscular dystrophy type 2J. Last evaluated: 2022-10-25. Review status: criteria provided, single submitter. Criteria: Invitae Variant Classification Sherloc (09022015). Collection method: clinical testing. Allele origin: germline.
Comment: This sequence change creates a premature translational stop signal (p.Asn25658Glufs*17) in the TTN gene. While this is not anticipated to result in nonsense mediated decay, it is expected to create a truncated TTN protein. This variant is not present in population databases (gnomAD no frequency). This variant has not been reported in the literature in individuals affected with TTN-related conditions. This variant is located in the A band of TTN (PMID: 25589632). Truncating variants in this region are significantly overrepresented in patients affected with dilated cardiomyopathy (PMID: 25589632). Truncating variants in this region have also been reported in individuals affected with autosomal recessive centronuclear myopathy (PMID: 23975875). In summary, the currently available evidence indicates that the variant is pathogenic, but additional data are needed to prove that conclusively. Therefore, this variant has been classified as Likely Pathogenic.

Blueprint Genetics
Classification: Likely pathogenic for TTN-related disorders. Last evaluated: 2019-08-30. Review status: criteria provided, single submitter. Criteria: ACMG Guidelines, 2015. Collection method: clinical testing. Allele origin: germline. Affected: yes. Observed: 1 variant allele.

Literature cited by the submitters: PubMed 25589632 (cited by Labcorp Genetics (formerly Invitae), Labcorp); PubMed 23975875 (cited by Labcorp Genetics (formerly Invitae), Labcorp).

NM_001267550.2(TTN):c.76970dup (p.Asn25658fs)

Genes: TTN (titin; minus strand), TTN-AS1 (TTN antisense RNA 1; plus strand). Cytogenetic location: 2q31.2.
Variant type: Duplication.
Coding change: c.76970dup on transcript NM_001267550.2 (MANE Select); coding-DNA position 76970, one base duplicated (A; older notation c.76970dupA).
Protein change: p.Asn25658fs; shifts the reading frame from asparagine 25658.
Molecular consequence: frameshift variant.
Genome position (GRCh38, 1-based): chr2:178,569,162, T duplicated on the plus strand (A on the coding strand, the reverse complement: TTN is on the minus strand); the first of 2 consecutive T bases (chr2:178,569,162-178,569,163); duplicating either gives the same sequence. VCF-style (leftmost placement, unchanged base first): chr2-178569161-C-CT. GRCh37 (hg19) VCF-style: chr2-179433888-C-CT.
Other names: c.72047dup, p.Asn24017fs (NM_001256850.1); c.49775dup, p.Asn16593fs (NM_003319.4); c.69266dup, p.Asn23090fs (NM_133378.4); c.50150dup, p.Asn16718fs (NM_133432.3); c.50351dup, p.Asn16785fs (NM_133437.4); short protein forms N16593fs, N16718fs, N24017fs, N16785fs, N23090fs, N25658fs.
Identifiers: ClinVar variation 2940978 (VCV002940978.5), dbSNP rs2468393445, ClinGen allele CA2740096340.